The following is an entry in ClinVar:

NM_015915.5(ATL1):c.349G>C (p.Glu117Gln)

Gene: ATL1 (atlastin GTPase 1; plus strand). Cytogenetic location: 14q22.1.
Variant type: single nucleotide variant.
Coding change: c.349G>C on transcript NM_015915.5 (MANE Select); coding-DNA position 349, G replaced by C.
Protein change: p.Glu117Gln; replaces glutamic acid 117 with glutamine.
Molecular consequence: missense variant.
Genome position (GRCh38, 1-based): chr14:50,591,007, G>C. VCF-style: chr14-50591007-G-C. GRCh37 (hg19) VCF-style: chr14-51057725-G-C.
Other names: c.349G>C, p.Glu117Gln (NM_001127713.1, NM_181598.4); short protein forms E117Q.
Identifiers: ClinVar variation 3616428 (VCV003616428.2).

ClinVar aggregate classification (germline): Uncertain significance (1 of 4 stars; one submission).

Conditions:
Hereditary spastic paraplegia 3A (SPG3A). Also called: Spastic paraplegia 3A, autosomal dominant; SPASTIC PARAPLEGIA 3, AUTOSOMAL DOMINANT; FAMILIAL SPASTIC PARAPLEGIA, AUTOSOMAL DOMINANT, 1; SPG3; STRUMPELL DISEASE; Spastic Paraplegia 3A. Identifiers: Orphanet 100984, MedGen C2931355, MONDO:0008437, OMIM 182600.

Submission:

Labcorp Genetics (formerly Invitae), Labcorp
Classification: Uncertain significance for Hereditary spastic paraplegia 3A. Last evaluated: 2024-08-11. Review status: criteria provided, single submitter. Criteria: Invitae Variant Classification Sherloc (09022015). Collection method: clinical testing. Allele origin: germline.
Comment: This sequence change replaces glutamic acid, which is acidic and polar, with glutamine, which is neutral and polar, at codon 117 of the ATL1 protein (p.Glu117Gln). This variant is not present in population databases (gnomAD no frequency). This variant has not been reported in the literature in individuals affected with ATL1-related conditions. Advanced modeling of protein sequence and biophysical properties (such as structural, functional, and spatial information, amino acid conservation, physicochemical variation, residue mobility, and thermodynamic stability) performed at Invitae indicates that this missense variant is not expected to disrupt ATL1 protein function with a negative predictive value of 80%. In summary, the available evidence is currently insufficient to determine the role of this variant in disease. Therefore, it has been classified as a Variant of Uncertain Significance.